The following is an entry in ClinVar:

NM_001035.3(RYR2):c.7734-4A>G

Gene: RYR2 (ryanodine receptor 2; plus strand). Cytogenetic location: 1q43.
Variant type: single nucleotide variant.
Coding change: c.7734-4A>G on transcript NM_001035.3 (MANE Select); 4 bases into the intron before coding-DNA position 7734, A replaced by G.
Molecular consequence: intron variant.
Genome position (GRCh38, 1-based): chr1:237,651,407, A>G. VCF-style: chr1-237651407-A-G. GRCh37 (hg19) VCF-style: chr1-237814707-A-G.
Identifiers: ClinVar variation 1375476 (VCV001375476.7), dbSNP rs913227817, ClinGen allele CA39798873.
Genomic context (GRCh38, chr1:237,651,407, plus strand): 5'-ATGAATGATCTACTTAGTTTAGAAACATTTCTTGGCATTATGAACATTAGCTTTGTTCCA[A>G]CAGACAACTGAGACCTTCTATGATGCAGCACTTACTCAGAAGATTAGTATTTGATGTTCC-3'

ClinVar aggregate classification (germline): Uncertain significance (1 of 4 stars; one submission).

Conditions:
Catecholaminergic polymorphic ventricular tachycardia 1. Also called: VENTRICULAR TACHYCARDIA, STRESS-INDUCED POLYMORPHIC 1; VENTRICULAR TACHYCARDIA, CATECHOLAMINERGIC POLYMORPHIC, 1, WITH OR WITHOUT ATRIAL DYSFUNCTION AND/OR DILATED CARDIOMYOPATHY; RYR2-Related Catecholaminergic Polymorphic Ventricular Tachycardia. Identifiers: Orphanet 3286, MedGen C1631597, MONDO:0011484, OMIM 604772.

Allele frequency attached by ClinVar (database versions not stated): TOPMed 0.00001.
gnomAD v4.1: 2 of 1,585,006 alleles (0.00013%); highest among the groups gnomAD compares: South Asian, 0.0023%; no homozygotes.

Submission:

Labcorp Genetics (formerly Invitae), Labcorp
Classification: Uncertain significance for Catecholaminergic polymorphic ventricular tachycardia 1. Last evaluated: 2025-12-08. Review status: criteria provided, single submitter. Criteria: Invitae Variant Classification Sherloc (09022015). Collection method: clinical testing. Allele origin: germline.
Comment: This sequence change falls in intron 50 of the RYR2 gene. It does not directly change the encoded amino acid sequence of the RYR2 protein. This variant is not present in population databases (gnomAD no frequency). This variant has not been reported in the literature in individuals affected with RYR2-related conditions. ClinVar contains an entry for this variant (Variation ID: 1375476). Algorithms developed to predict the effect of sequence changes on RNA splicing suggest that this variant may disrupt the consensus splice site. In summary, the available evidence is currently insufficient to determine the role of this variant in disease. Therefore, it has been classified as a Variant of Uncertain Significance.